The following is an entry in ClinVar:

NM_030665.4(RAI1):c.494C>G (p.Pro165Arg)

Gene: RAI1 (retinoic acid induced 1; plus strand). Cytogenetic location: 17p11.2.
Variant type: single nucleotide variant.
Coding change: c.494C>G on transcript NM_030665.4 (MANE Select); coding-DNA position 494, C replaced by G.
Protein change: p.Pro165Arg; replaces proline 165 with arginine.
Molecular consequence: missense variant.
Genome position (GRCh38, 1-based): chr17:17,793,442, C>G. VCF-style: chr17-17793442-C-G. GRCh37 (hg19) VCF-style: chr17-17696756-C-G.
Other names: short protein forms P165R.
Identifiers: ClinVar variation 2053789 (VCV002053789.4), dbSNP rs2508569227, ClinGen allele CA398545585.

ClinVar aggregate classification (germline): Uncertain significance (1 of 4 stars; one submission).

Submission:

Labcorp Genetics (formerly Invitae), Labcorp
Classification: Uncertain significance. Last evaluated: 2022-03-24. Review status: criteria provided, single submitter. Criteria: Invitae Variant Classification Sherloc (09022015). Collection method: clinical testing. Allele origin: germline.
Comment: In summary, the available evidence is currently insufficient to determine the role of this variant in disease. Therefore, it has been classified as a Variant of Uncertain Significance. Algorithms developed to predict the effect of missense changes on protein structure and function (SIFT, PolyPhen-2, Align-GVGD) all suggest that this variant is likely to be disruptive. This variant has not been reported in the literature in individuals affected with RAI1-related conditions. This variant is not present in population databases (gnomAD no frequency). This sequence change replaces proline, which is neutral and non-polar, with arginine, which is basic and polar, at codon 165 of the RAI1 protein (p.Pro165Arg).